The following is an entry in ClinVar:

ClinVar aggregate classification (germline): not provided (0 of 4 stars; one submission).

Allele frequency attached by ClinVar (database versions not stated): ExAC 0.43302.

Submission:

James Howe Lab, University of Iowa Hospital and Clinics
No classification provided. Review status: no classification provided. Collection method: not provided. Allele origin: unknown.
Comment: Analysis of CDKN1B mutations in 86 patients with small bowel neuroendocrine tumors and 68 patients with pancreas neuroendocrine tumors.

NM_005961.3(MUC6):c.5911C>T (p.Pro1971Ser)

Gene: MUC6 (mucin 6, oligomeric mucus/gel-forming; minus strand). Cytogenetic location: 11p15.5.
Variant type: single nucleotide variant.
Coding change: c.5911C>T on transcript NM_005961.3 (MANE Select); coding-DNA position 5911, C replaced by T.
Protein change: p.Pro1971Ser; replaces proline 1971 with serine.
Molecular consequence: missense variant.
Genome position (GRCh38, 1-based): chr11:1,016,890, G>A on the plus strand (C>T on the coding strand, the complement: MUC6 is on the minus strand). VCF-style: chr11-1016890-G-A. GRCh37 (hg19) VCF-style: chr11-1016890-G-A.
Other names: short protein forms P1971S.
Identifiers: ClinVar variation 156712 (VCV000156712.1), dbSNP rs113508205, ClinGen allele CA248414.
Genomic context (GRCh38, chr11:1,016,890, plus strand): 5'-TCTGGAAGGATGTTGCAGTCATAGGACCTGTGGAAGAGAAGGGACTGCTCCCTGTAGGTG[G>A]GGAGTGTGTGGTGAAGGGTGTGGGTAGCCTGCTGCTGCTGGCCGAGGTGGTGTGGGCCAC-3'
Protein context (NP_005952.2, residues 1961-1981): RLPTPFTTHS[Pro1971Ser]PTGSSPFSST